The following is an entry in ClinVar:

ClinVar aggregate classification (germline): Likely benign. Review status: criteria provided, single submitter (1 of 4 stars). 2 submissions from 2 submitters: Likely benign (1). 1 of the submissions does not count toward it. Last evaluated 2025-10-02.

Conditions:
PCNT-related disorder. Also called: PCNT-related condition.

Allele frequency attached by ClinVar (database versions not stated): ExAC 0.00002.
gnomAD v4.1: 26 of 1,599,240 alleles (0.0016%); highest among the groups gnomAD compares: African/African-American, 0.013%; no homozygotes.

Submissions (2):

Labcorp Genetics (formerly Invitae), Labcorp
Classification: Likely benign. Last evaluated: 2025-10-02. Review status: criteria provided, single submitter. Criteria: Invitae Variant Classification Sherloc (09022015). Collection method: clinical testing. Allele origin: germline.

PreventionGenetics, part of Exact Sciences
Classification: Likely benign for PCNT-related condition. Last evaluated: 2024-03-14. Review status: no assertion criteria provided. Collection method: clinical testing. Allele origin: germline. Not counted in ClinVar's aggregate classification.
Comment: This variant is classified as likely benign based on ACMG/AMP sequence variant interpretation guidelines (Richards et al. 2015 PMID: 25741868, with internal and published modifications).

NM_006031.6(PCNT):c.5886C>T (p.Pro1962=)

Gene: PCNT (pericentrin; plus strand). Cytogenetic location: 21q22.3.
Variant type: single nucleotide variant.
Coding change: c.5886C>T on transcript NM_006031.6 (MANE Select); coding-DNA position 5886, C replaced by T.
Protein change: p.Pro1962=; no amino-acid change (proline 1962 retained).
Molecular consequence: synonymous variant.
Genome position (GRCh38, 1-based): chr21:46,411,959, C>T. VCF-style: chr21-46411959-C-T. GRCh37 (hg19) VCF-style: chr21-47831873-C-T.
Other names: c.5886C>T (NM_006031.5); c.5532C>T, p.Pro1844= (NM_001315529.2).
Identifiers: ClinVar variation 2965773 (VCV002965773.4), dbSNP rs775869835, ClinGen allele CA10080112.